The following is an entry in ClinVar:

NM_152296.5(ATP1A3):c.858C>T (p.Thr286=)

Gene: ATP1A3 (ATPase Na+/K+ transporting subunit alpha 3; minus strand). Cytogenetic location: 19q13.2.
Variant type: single nucleotide variant.
Coding change: c.858C>T on transcript NM_152296.5 (MANE Select); coding-DNA position 858, C replaced by T.
Protein change: p.Thr286=; no amino-acid change (threonine 286 retained).
Molecular consequence: synonymous variant.
Genome position (GRCh38, 1-based): chr19:41,985,053, G>A on the plus strand (C>T on the coding strand, the complement: ATP1A3 is on the minus strand). VCF-style: chr19-41985053-G-A. GRCh37 (hg19) VCF-style: chr19-42489205-G-A.
Other names: c.891C>T, p.Thr297= (NM_001256213.2); c.897C>T, p.Thr299= (NM_001256214.2).
Identifiers: ClinVar variation 536474 (VCV000536474.15), dbSNP rs368998149, ClinGen allele CA9467770.

ClinVar aggregate classification (germline): Likely benign. Review status: criteria provided, multiple submitters, no conflicts (2 of 4 stars). 4 submissions from 4 submitters: Likely benign (4). Last evaluated 2026-09-01.

Conditions:
Dystonia 12 (DYT12). Also called: DYT-ATP1A3; Rapid-Onset Dystonia-Parkinsonism (RDP). Identifiers: Orphanet 71517, MedGen C1868681, MONDO:0007496, OMIM 128235.

Allele frequency attached by ClinVar (database versions not stated): gnomAD exomes 0.00003 and 0.00006; gnomAD 0.00005 and 0.00006; TOPMed 0.00006; ESP Exome Variant Server 0.00008; ExAC 0.00009.
gnomAD v4.1: 53 of 1,613,750 alleles (0.0033%); highest among the groups gnomAD compares: Admixed American, 0.0083%; no homozygotes.

Submissions (4):

CeGaT Center for Human Genetics Tuebingen
Classification: Likely benign. Last evaluated: 2026-09-01. Review status: criteria provided, single submitter. Criteria: CeGaT Center For Human Genetics Tuebingen Variant Classification Criteria Version 2. Collection method: clinical testing. Allele origin: germline. Affected: yes. Observed: 1 variant allele.
Comment: ATP1A3: BP4, BP7

Labcorp Genetics (formerly Invitae), Labcorp
Classification: Likely benign for Dystonia 12. Last evaluated: 2025-04-23. Review status: criteria provided, single submitter. Criteria: Invitae Variant Classification Sherloc (09022015). Collection method: clinical testing. Allele origin: germline.

Blueprint Genetics
Classification: Likely benign. Last evaluated: 2022-11-18. Review status: criteria provided, single submitter. Criteria: ACMG Guidelines, 2015. Collection method: clinical testing. Allele origin: germline.

GeneDx
Classification: Likely benign. Last evaluated: 2018-09-18. Review status: criteria provided, single submitter. Criteria: GeneDx Variant Classification Process June 2021. Collection method: clinical testing. Allele origin: germline. Affected: yes.